The following is an entry in ClinVar:

ClinVar aggregate classification (germline): Uncertain significance. Review status: criteria provided, multiple submitters, no conflicts (2 of 4 stars). 2 submissions from 2 submitters: Uncertain significance (2). Last evaluated 2024-02-02.

Conditions:
Hereditary cancer-predisposing syndrome. Also called: Tumor predisposition; Neoplastic Syndromes, Hereditary; Hereditary Cancer Syndrome; Hereditary neoplastic syndrome. Identifiers: Orphanet 140162, MedGen C0027672, MeSH D009386, MONDO:0015356.
Bloom syndrome (BLM). Also called: Bloom-Torre-Machacek syndrome. Identifiers: Orphanet 125, MedGen C0005859, MONDO:0008876, OMIM 210900.

Submissions (2):

Labcorp Genetics (formerly Invitae), Labcorp
Classification: Uncertain significance for Bloom syndrome. Last evaluated: 2024-02-02. Review status: criteria provided, single submitter. Criteria: Invitae Variant Classification Sherloc (09022015). Collection method: clinical testing. Allele origin: germline.
Comment: This sequence change replaces glutamine, which is neutral and polar, with arginine, which is basic and polar, at codon 1040 of the BLM protein (p.Gln1040Arg). This variant is not present in population databases (gnomAD no frequency). This variant has not been reported in the literature in individuals affected with BLM-related conditions. ClinVar contains an entry for this variant (Variation ID: 1727827). Advanced modeling of protein sequence and biophysical properties (such as structural, functional, and spatial information, amino acid conservation, physicochemical variation, residue mobility, and thermodynamic stability) performed at Invitae indicates that this missense variant is expected to disrupt BLM protein function with a positive predictive value of 80%. In summary, the available evidence is currently insufficient to determine the role of this variant in disease. Therefore, it has been classified as a Variant of Uncertain Significance.

Ambry Genetics
Classification: Uncertain significance for Hereditary cancer-predisposing syndrome. Last evaluated: 2017-10-27. Review status: criteria provided, single submitter. Criteria: Ambry Variant Classification Scheme 2023. Collection method: clinical testing. Allele origin: germline.
Comment: The p.Q1040R variant (also known as c.3119A>G), located in coding exon 15 of the BLM gene, results from an A to G substitution at nucleotide position 3119. The glutamine at codon 1040 is replaced by arginine, an amino acid with highly similar properties. This amino acid position is highly conserved in available vertebrate species. In addition, this alteration is predicted to be deleterious by in silico analysis. Since supporting evidence is limited at this time, the clinical significance of this alteration remains unclear.

NM_000057.4(BLM):c.3119A>G (p.Gln1040Arg)

Gene: BLM (BLM RecQ like helicase; plus strand). Cytogenetic location: 15q26.1.
Variant type: single nucleotide variant.
Coding change: c.3119A>G on transcript NM_000057.4 (MANE Select); coding-DNA position 3119, A replaced by G.
Protein change: p.Gln1040Arg; replaces glutamine 1040 with arginine.
Molecular consequence: missense variant.
Genome position (GRCh38, 1-based): chr15:90,794,266, A>G. VCF-style: chr15-90794266-A-G. GRCh37 (hg19) VCF-style: chr15-91337496-A-G.
Other names: c.3119A>G, p.Gln1040Arg (NM_001287246.2, NM_001287247.2); c.1994A>G, p.Gln665Arg (NM_001287248.2); short protein forms Q665R, Q1040R.
Identifiers: ClinVar variation 1727827 (VCV001727827.4), dbSNP rs2505525241, ClinGen allele CA393846876.